The following is an entry in ClinVar:

NM_000492.4(CFTR):c.908G>T (p.Arg303Ile)

Gene: CFTR (CF transmembrane conductance regulator; plus strand). Cytogenetic location: 7q31.2.
Variant type: single nucleotide variant.
Coding change: c.908G>T on transcript NM_000492.4 (MANE Select); coding-DNA position 908, G replaced by T.
Protein change: p.Arg303Ile; replaces arginine 303 with isoleucine.
Molecular consequence: missense variant.
Genome position (GRCh38, 1-based): chr7:117,540,138, G>T. VCF-style: chr7-117540138-G-T. GRCh37 (hg19) VCF-style: chr7-117180192-G-T.
Other names: short protein forms R303I.
Identifiers: ClinVar variation 5034423 (VCV005034423.1).

ClinVar aggregate classification (germline): Uncertain significance (1 of 4 stars; one submission).

Conditions:
Cystic fibrosis (CF). Also called: MUCOVISCIDOSIS. Identifiers: Orphanet 586, MedGen C0010674, MONDO:0009061, OMIM 219700. Disease mechanism: loss of function.

gnomAD v4.1: 5 of 1,613,542 alleles (0.00031%); highest among the groups gnomAD compares: Non-Finnish European, 0.00042%; no homozygotes.

Submission:

Ambry Genetics
Classification: Uncertain significance for Cystic fibrosis. Last evaluated: 2026-09-09. Review status: criteria provided, single submitter. Criteria: Ambry Variant Classification Scheme 2023. Collection method: clinical testing. Allele origin: germline.
Comment: The p.R303I variant (also known as c.908G>T), located in coding exon 8 of the CFTR gene, results from a G to T substitution at nucleotide position 908. The arginine at codon 303 is replaced by isoleucine, an amino acid with similar properties. This amino acid position is highly conserved in available vertebrate species. In addition, this alteration is predicted to be deleterious by in silico analysis. Based on the available evidence, the clinical significance of this variant remains unclear.